The following is an entry in ClinVar:

NM_001385641.1(SAMD11):c.1494dup (p.Ala499fs)

Gene: SAMD11 (sterile alpha motif domain containing 11; plus strand). Cytogenetic location: 1p36.33.
Variant type: Duplication.
Coding change: c.1494dup on transcript NM_001385641.1 (MANE Select); coding-DNA position 1494, one base duplicated (C; older notation c.1494dupC).
Protein change: p.Ala499fs; shifts the reading frame from alanine 499.
Molecular consequence: frameshift variant.
Genome position (GRCh38, 1-based): chr1:942,429, C duplicated; the last of 6 consecutive C bases (chr1:942,424-942,429); duplicating any one gives the same sequence. VCF-style (leftmost placement, unchanged base first): chr1-942423-G-GC. GRCh37 (hg19) VCF-style: chr1-877803-G-GC.
Other names: c.1497dup, p.Ala500fs (NM_001385640.1); c.1005dup, p.Ala336fs (NM_152486.4); short protein forms A336fs, A499fs, A500fs.
Identifiers: ClinVar variation 838425 (VCV000838425.5), dbSNP rs1410048057, ClinGen allele CA520630422.

ClinVar aggregate classification (germline): Uncertain significance (1 of 4 stars; one submission).

Submission:

Labcorp Genetics (formerly Invitae), Labcorp
Classification: Uncertain significance. Last evaluated: 2022-07-18. Review status: criteria provided, single submitter. Criteria: Invitae Variant Classification Sherloc (09022015). Collection method: clinical testing. Allele origin: germline.
Comment: This sequence change creates a premature translational stop signal (p.Ala336Argfs*119) in the SAMD11 gene. It is expected to result in an absent or disrupted protein product. However, the current clinical and genetic evidence is not sufficient to establish whether loss-of-function variants in SAMD11 cause disease. The frequency data for this variant in the population databases is considered unreliable, as metrics indicate poor data quality at this position in the gnomAD database. This variant has not been reported in the literature in individuals affected with SAMD11-related conditions. ClinVar contains an entry for this variant (Variation ID: 838425). In summary, the available evidence is currently insufficient to determine the role of this variant in disease. Therefore, it has been classified as a Variant of Uncertain Significance.